The following is an entry in ClinVar:

ClinVar aggregate classification (germline): Uncertain significance (1 of 4 stars; one submission).

Allele frequency attached by ClinVar (database versions not stated): gnomAD 0.00001; TOPMed 0.00003.
gnomAD v4.1: 63 of 1,608,044 alleles (0.0039%); highest among the groups gnomAD compares: Middle Eastern, 0.019%; no homozygotes.

Submission:

Labcorp Genetics (formerly Invitae), Labcorp
Classification: Uncertain significance. Last evaluated: 2023-09-10. Review status: criteria provided, single submitter. Criteria: Invitae Variant Classification Sherloc (09022015). Collection method: clinical testing. Allele origin: germline.
Comment: This variant has not been reported in the literature in individuals affected with STEAP3-related conditions. This variant is present in population databases (no rsID available, gnomAD 0.004%). This sequence change replaces valine, which is neutral and non-polar, with methionine, which is neutral and non-polar, at codon 404 of the STEAP3 protein (p.Val404Met). Algorithms developed to predict the effect of missense changes on protein structure and function output the following: SIFT: "Not Available"; PolyPhen-2: "Benign"; Align-GVGD: "Not Available". The methionine amino acid residue is found in multiple mammalian species, which suggests that this missense change does not adversely affect protein function. In summary, the available evidence is currently insufficient to determine the role of this variant in disease. Therefore, it has been classified as a Variant of Uncertain Significance.

NM_182915.3(STEAP3):c.1240G>A (p.Val414Met)

Gene: STEAP3 (STEAP3 metalloreductase; plus strand). Cytogenetic location: 2q14.2.
Variant type: single nucleotide variant.
Coding change: c.1240G>A on transcript NM_182915.3 (MANE Select); coding-DNA position 1240, G replaced by A.
Protein change: p.Val414Met; replaces valine 414 with methionine.
Molecular consequence: missense variant. On other transcripts: 3 prime UTR variant (1).
Genome position (GRCh38, 1-based): chr2:119,263,081, G>A. VCF-style: chr2-119263081-G-A. GRCh37 (hg19) VCF-style: chr2-120020657-G-A.
Other names: c.*68G>A (NM_138637.3); c.1210G>A, p.Val404Met (NM_001008410.2, NM_018234.3); short protein forms V414M, V404M.
Identifiers: ClinVar variation 2985557 (VCV002985557.3), dbSNP rs1473184416, ClinGen allele CA348343816.